The following is an entry in ClinVar:

NM_001378609.3(OTOGL):c.3615T>C (p.Asp1205=)

Gene: OTOGL (otogelin like; plus strand). Cytogenetic location: 12q21.31.
Variant type: single nucleotide variant.
Coding change: c.3615T>C on transcript NM_001378609.3 (MANE Select); coding-DNA position 3615, T replaced by C.
Protein change: p.Asp1205=; no amino-acid change (aspartic acid 1205 retained).
Molecular consequence: synonymous variant.
Genome position (GRCh38, 1-based): chr12:80,314,312, T>C. VCF-style: chr12-80314312-T-C. GRCh37 (hg19) VCF-style: chr12-80708092-T-C.
Other names: c.3480T>C, p.Asp1160= (NM_001368062.3); c.3615T>C, p.Asp1205= (NM_001378610.3, NM_173591.7); c.3588T>C (NM_173591.3).
Identifiers: ClinVar variation 2176823 (VCV002176823.10), dbSNP rs750334675, ClinGen allele CA6701148.

ClinVar aggregate classification (germline): Likely benign. Review status: criteria provided, multiple submitters, no conflicts (2 of 4 stars). 3 submissions from 3 submitters: Likely benign (2). 1 of the submissions does not count toward it. Last evaluated 2026-05-01.

Conditions:
OTOGL-related disorder. Also called: OTOGL-related condition.

Allele frequency attached by ClinVar (database versions not stated): gnomAD 0.00001; TOPMed 0.00003; ExAC 0.00012.
gnomAD v4.1: 5 of 1,047,636 alleles (0.00048%); highest among the groups gnomAD compares: Admixed American, 0.017%; no homozygotes.

Submissions (3):

CeGaT Center for Human Genetics Tuebingen
Classification: Likely benign. Last evaluated: 2026-05-01. Review status: criteria provided, single submitter. Criteria: CeGaT Center For Human Genetics Tuebingen Variant Classification Criteria Version 2. Collection method: clinical testing. Allele origin: germline. Affected: yes. Observed: 2 variant alleles.
Comment: OTOGL: BP4, BP7

Labcorp Genetics (formerly Invitae), Labcorp
Classification: Likely benign. Last evaluated: 2025-08-10. Review status: criteria provided, single submitter. Criteria: Invitae Variant Classification Sherloc (09022015). Collection method: clinical testing. Allele origin: germline.

PreventionGenetics, part of Exact Sciences
Classification: Likely benign for OTOGL-related condition. Last evaluated: 2024-06-03. Review status: no assertion criteria provided. Collection method: clinical testing. Allele origin: germline. Not counted in ClinVar's aggregate classification.
Comment: This variant is classified as likely benign based on ACMG/AMP sequence variant interpretation guidelines (Richards et al. 2015 PMID: 25741868, with internal and published modifications).